The following is an entry in ClinVar:

ClinVar aggregate classification (germline): Uncertain significance (1 of 4 stars; one submission).

Submission:

Labcorp Genetics (formerly Invitae), Labcorp
Classification: Uncertain significance. Last evaluated: 2023-04-20. Review status: criteria provided, single submitter. Criteria: Invitae Variant Classification Sherloc (09022015). Collection method: clinical testing. Allele origin: germline.
Comment: This variant is not present in population databases (gnomAD no frequency). This sequence change replaces glutamine, which is neutral and polar, with glutamic acid, which is acidic and polar, at codon 981 of the TCF20 protein (p.Gln981Glu). In summary, the available evidence is currently insufficient to determine the role of this variant in disease. Therefore, it has been classified as a Variant of Uncertain Significance. An algorithm developed to predict the effect of missense changes on protein structure and function (PolyPhen-2) suggests that this variant is likely to be disruptive. This variant has not been reported in the literature in individuals affected with TCF20-related conditions.

NM_001378418.1(TCF20):c.2941C>G (p.Gln981Glu)

Gene: TCF20 (transcription factor 20; minus strand). Cytogenetic location: 22q13.2.
Variant type: single nucleotide variant.
Coding change: c.2941C>G on transcript NM_001378418.1 (MANE Select); coding-DNA position 2941, C replaced by G.
Protein change: p.Gln981Glu; replaces glutamine 981 with glutamic acid.
Molecular consequence: missense variant.
Genome position (GRCh38, 1-based): chr22:42,212,365, G>C on the plus strand (C>G on the coding strand, the complement: TCF20 is on the minus strand). VCF-style: chr22-42212365-G-C. GRCh37 (hg19) VCF-style: chr22-42608371-G-C.
Other names: c.2941C>G, p.Gln981Glu (NM_005650.4, NM_181492.3); short protein forms Q981E.
Identifiers: ClinVar variation 2871763 (VCV002871763.3), dbSNP rs2518221210, ClinGen allele CA411787560.